The following is an entry in ClinVar:

ClinVar aggregate classification (germline): Uncertain significance (1 of 4 stars; one submission).

Allele frequency attached by ClinVar (database versions not stated): gnomAD exomes below 0.00001.
gnomAD v4.1: 1 of 1,614,192 alleles (0.000062%); highest among the groups gnomAD compares: Non-Finnish European, 0.000085%; no homozygotes.

Submission:

CeGaT Center for Human Genetics Tuebingen
Classification: Uncertain significance. Last evaluated: 2025-07-01. Review status: criteria provided, single submitter. Criteria: CeGaT Center For Human Genetics Tuebingen Variant Classification Criteria Version 2. Collection method: clinical testing. Allele origin: germline. Affected: yes. Observed: 2 variant alleles.
Comment: SSBP1: PM2:Supporting, BP4

NM_003143.3(SSBP1):c.166A>G (p.Ile56Val)

Gene: SSBP1 (single stranded DNA binding protein 1; plus strand). Cytogenetic location: 7q34.
Variant type: single nucleotide variant.
Coding change: c.166A>G on transcript NM_003143.3 (MANE Select); coding-DNA position 166, A replaced by G.
Protein change: p.Ile56Val; replaces isoleucine 56 with valine.
Molecular consequence: missense variant. On other transcripts: non-coding transcript variant (1).
Genome position (GRCh38, 1-based): chr7:141,743,641, A>G. VCF-style: chr7-141743641-A-G. GRCh37 (hg19) VCF-style: chr7-141443441-A-G.
Other names: c.166A>G, p.Ile56Val (NM_001256510.1, NM_001256511.1, NM_001256512.1 and 1 more transcripts); short protein forms I56V.
Identifiers: ClinVar variation 932474 (VCV000932474.39), dbSNP rs1799655635, ClinGen allele CA369560242.